The following is an entry in ClinVar:

NM_001267550.2(TTN):c.98291A>G (p.Glu32764Gly)

Genes: TTN (titin; minus strand), TTN-AS1 (TTN antisense RNA 1; plus strand). Cytogenetic location: 2q31.2.
Variant type: single nucleotide variant.
Coding change: c.98291A>G on transcript NM_001267550.2 (MANE Select); coding-DNA position 98291, A replaced by G.
Protein change: p.Glu32764Gly; replaces glutamic acid 32764 with glycine.
Molecular consequence: missense variant. On other transcripts: non-coding transcript variant (1).
Genome position (GRCh38, 1-based): chr2:178,539,774, T>C on the plus strand (A>G on the coding strand, the complement: TTN is on the minus strand). VCF-style: chr2-178539774-T-C. GRCh37 (hg19) VCF-style: chr2-179404501-T-C.
Other names: c.93368A>G, p.Glu31123Gly (NM_001256850.1); c.71096A>G, p.Glu23699Gly (NM_003319.4); c.90587A>G, p.Glu30196Gly (NM_133378.4); c.71471A>G, p.Glu23824Gly (NM_133432.3); c.71672A>G, p.Glu23891Gly (NM_133437.4); short protein forms E23699G, E23824G, E23891G, E30196G, E31123G, E32764G.
Identifiers: ClinVar variation 2574802 (VCV002574802.1), dbSNP rs755276825, ClinGen allele CA1986402.
Genomic context (GRCh38, chr2:178,539,774, plus strand): 5'-TTCTTGCCACATTTATTTTCCAGAACCAGGTCATAAGTGCCAGAATCACCCCTGTCTGCT[T>C]CTTTGATCACAAGCTCAGTGTGTGTTTCAGATGTTGCAATCATGGCACGCTTACTAATAT-3'
Protein context (NP_001254479.2, residues 32754-32774): SETHTELVIK[Glu32764Gly]ADRGDSGTYD

ClinVar aggregate classification (germline): Uncertain significance (1 of 4 stars; one submission).

Allele frequency attached by ClinVar (database versions not stated): ExAC 0.00002.
gnomAD v4.1: 3 of 1,613,740 alleles (0.00019%); highest among the groups gnomAD compares: East Asian, 0.0067%; no homozygotes.

Submission:

GeneDx
Classification: Uncertain significance. Last evaluated: 2023-02-01. Review status: criteria provided, single submitter. Criteria: GeneDx Variant Classification Process June 2021. Collection method: clinical testing. Allele origin: germline. Affected: yes.
Comment: Not observed at significant frequency in large population cohorts (gnomAD); Missense variant in a gene in which most reported pathogenic variants are truncating/loss of function; Has not been previously published as pathogenic or benign to our knowledge